The following is an entry in ClinVar:

ClinVar aggregate classification (germline): Likely pathogenic. Review status: criteria provided, multiple submitters, no conflicts (2 of 4 stars). 5 submissions from 5 submitters: Likely pathogenic (5). Last evaluated 2025-04-14.

Conditions:
Cardiovascular phenotype. Identifiers: MedGen CN230736.
Hypertrophic cardiomyopathy. Also called: HYPERTROPHIC MYOCARDIOPATHY. Identifiers: Orphanet 217569, MedGen C0007194, MeSH D002312, MONDO:0005045, HP:0001639.

Submissions (5):

Labcorp Genetics (formerly Invitae), Labcorp
Classification: Likely pathogenic for Hypertrophic cardiomyopathy. Last evaluated: 2025-04-14. Review status: criteria provided, single submitter. Criteria: Invitae Variant Classification Sherloc (09022015). Collection method: clinical testing. Allele origin: germline.
Comment: This sequence change replaces tyrosine, which is neutral and polar, with cysteine, which is neutral and slightly polar, at codon 609 of the MYH7 protein (p.Tyr609Cys). This variant is not present in population databases (gnomAD no frequency). This missense change has been observed in individual(s) with hypertrophic cardiomyopathy (PMID: 21750094, 27247418, 31737537). ClinVar contains an entry for this variant (Variation ID: 179525). Invitae Evidence Modeling of protein sequence and biophysical properties (such as structural, functional, and spatial information, amino acid conservation, physicochemical variation, residue mobility, and thermodynamic stability) indicates that this missense variant is expected to disrupt MYH7 protein function with a positive predictive value of 95%. In summary, the currently available evidence indicates that the variant is pathogenic, but additional data are needed to prove that conclusively. Therefore, this variant has been classified as Likely Pathogenic.

Dasa
Classification: Likely pathogenic. Last evaluated: 2024-12-23. Review status: criteria provided, single submitter. Criteria: DASA Assertion Criteria. Collection method: clinical testing. Allele origin: germline.
Comment: NM_000257.4(MYH7):c.1826A>G (p.Tyr609Cys) is a missense variant that results in the substitution of tyrosine with cysteine. The affected residue or protein region has prior evidence supporting clinical relevance. This variant has been reported in individuals with MYH7-related disorders. Also, this variant is absent from population databases. Computational evidence supports a deleterious effect. Based on the currently available evidence, this variant is classified as likely pathogenic.

GeneDx
Classification: Likely pathogenic. Last evaluated: 2023-07-16. Review status: criteria provided, single submitter. Criteria: GeneDx Variant Classification Process June 2021. Collection method: clinical testing. Allele origin: germline. Affected: yes.
Comment: Reported in individuals with hypertrophic cardiomyopathy (HCM) from large cohort studies, but detailed clinical information and familial segregation information were not provided (Waldmuller et al., 2011; Homburger et al., 2016; Marschall et al., 2019; Harper et al., 2021); Not observed at significant frequency in large population cohorts (gnomAD); In silico analysis supports that this missense variant has a deleterious effect on protein structure/function; This variant is associated with the following publications: (PMID: 33495597, 31737537, 27247418, 21750094, 27532257, 29300372)

Ambry Genetics
Classification: Likely pathogenic for Cardiovascular phenotype. Last evaluated: 2022-06-16. Review status: criteria provided, single submitter. Criteria: Ambry Variant Classification Scheme 2023. Collection method: clinical testing. Allele origin: germline.
Comment: The p.Y609C variant (also known as c.1826A>G), located in coding exon 14 of the MYH7 gene, results from an A to G substitution at nucleotide position 1826. The tyrosine at codon 609 is replaced by cysteine, an amino acid with highly dissimilar properties. This alteration is located in the myosin head domain, which contains a statistically significant clustering of pathogenic missense variants (Homburger JR et al. Proc Natl Acad Sci U S A, 2016 06;113:6701-6; Walsh R et al. Genet Med, 2017 02;19:192-203; Ambry internal data). This variant has been reported in several hypertrophic cardiomyopathy (HCM) cases (Waldm&uuml;ller S et al. Eur J Heart Fail, 2011 Nov;13:1185-92; Homburger JR et al. Proc Natl Acad Sci U S A, 2016 06;113:6701-6; Marschall C et al. Cardiovasc Diagn Ther, 2019 Oct;9:S292-S298; Harper AR et al. Nat Genet, 2021 02;53:135-142). This variant is considered to be rare based on population cohorts in the Genome Aggregation Database (gnomAD). This amino acid position is highly conserved in available vertebrate species. In addition, this alteration is predicted to be deleterious by in silico analysis. Based on the majority of available evidence to date, this variant is likely to be pathogenic.

Laboratory for Molecular Medicine, Mass General Brigham Personalized Medicine
Classification: Likely pathogenic for Hypertrophic cardiomyopathy. Last evaluated: 2019-03-07. Review status: criteria provided, single submitter. Criteria: LMM Criteria. Collection method: clinical testing. Allele origin: germline. Observed: 2 variant alleles.
Comment: proposed classification - variant undergoing re-assessment, contact laboratory

Literature cited by the submitters: PubMed 21750094 (cited by 3 submitters); PubMed 27247418 (cited by 3 submitters); PubMed 31737537 (cited by Labcorp Genetics (formerly Invitae), Labcorp and Ambry Genetics); PubMed 33495597 (cited by Ambry Genetics).

NM_000257.4(MYH7):c.1826A>G (p.Tyr609Cys)

Gene: MYH7 (myosin heavy chain 7; minus strand). Cytogenetic location: 14q11.2.
Variant type: single nucleotide variant.
Coding change: c.1826A>G on transcript NM_000257.4 (MANE Select); coding-DNA position 1826, A replaced by G.
Protein change: p.Tyr609Cys; replaces tyrosine 609 with cysteine.
Molecular consequence: missense variant.
Genome position (GRCh38, 1-based): chr14:23,427,647, T>C on the plus strand (A>G on the coding strand, the complement: MYH7 is on the minus strand). VCF-style: chr14-23427647-T-C. GRCh37 (hg19) VCF-style: chr14-23896856-T-C.
Other names: short protein forms Y609C.
Identifiers: ClinVar variation 179525 (VCV000179525.17), dbSNP rs727504925, ClinGen allele CA011319.